The following is an entry in ClinVar:

ClinVar aggregate classification (germline): Conflicting classifications of pathogenicity. Review status: criteria provided, conflicting classifications (1 of 4 stars). 4 submissions from 4 submitters: Uncertain significance (2); Likely benign (2). Last evaluated 2025-11-11.

Conditions:
Inborn genetic diseases. Identifiers: MedGen C0950123, MeSH D030342.
Hyperaldosteronism, familial, type IV (HALD4). Also called: FH IV; ALDOSTERONISM, PRIMARY, AND HYPERTENSION. Identifiers: Orphanet 642671, MedGen C4310756, MONDO:0014875, OMIM 617027.
Idiopathic generalized epilepsy. Also called: Generalised epilepsy; EIG. Identifiers: MedGen C0270850, MONDO:0005579, OMIM 600669.

Allele frequency attached by ClinVar (database versions not stated): gnomAD 0.00001 and 0.00005; TOPMed 0.00007; gnomAD exomes 0.00028; ExAC 0.00035.
gnomAD v4.1: 114 of 1,551,544 alleles (0.0073%); highest among the groups gnomAD compares: Admixed American, 0.086%; 5 homozygotes.

Submissions (4):

Labcorp Genetics (formerly Invitae), Labcorp
Classification: Likely benign for Idiopathic generalized epilepsy; Hyperaldosteronism, familial, type IV. Last evaluated: 2025-11-11. Review status: criteria provided, single submitter. Criteria: Invitae Variant Classification Sherloc (09022015). Collection method: clinical testing. Allele origin: germline.

Blueprint Genetics
Classification: Likely benign. Last evaluated: 2024-07-17. Review status: criteria provided, single submitter. Criteria: ACMG Guidelines, 2015. Collection method: clinical testing. Allele origin: germline.

Ambry Genetics
Classification: Uncertain significance for Inborn genetic diseases. Last evaluated: 2024-01-09. Review status: criteria provided, single submitter. Criteria: Ambry Variant Classification Scheme 2023. Collection method: clinical testing. Allele origin: germline.

GeneDx
Classification: Uncertain significance. Last evaluated: 2023-04-17. Review status: criteria provided, single submitter. Criteria: GeneDx Variant Classification Process June 2021. Collection method: clinical testing. Allele origin: germline. Affected: yes.
Comment: In silico analysis supports that this missense variant has a deleterious effect on protein structure/function; Has not been previously published as pathogenic or benign to our knowledge

NM_021098.3(CACNA1H):c.5696C>T (p.Pro1899Leu)

Gene: CACNA1H (calcium voltage-gated channel subunit alpha1 H; plus strand). Cytogenetic location: 16p13.3.
Variant type: single nucleotide variant.
Coding change: c.5696C>T on transcript NM_021098.3 (MANE Select); coding-DNA position 5696, C replaced by T.
Protein change: p.Pro1899Leu; replaces proline 1899 with leucine.
Molecular consequence: missense variant.
Genome position (GRCh38, 1-based): chr16:1,218,460, C>T. VCF-style: chr16-1218460-C-T. GRCh37 (hg19) VCF-style: chr16-1268460-C-T.
Other names: c.5678C>T, p.Pro1893Leu (NM_001005407.2); short protein forms P1899L, P1893L.
Identifiers: ClinVar variation 460152 (VCV000460152.14), dbSNP rs750475467, ClinGen allele CA7802104.